The following is an entry in ClinVar:

ClinVar aggregate classification (germline): Uncertain significance (1 of 4 stars; one submission).

Conditions:
Radio-Tartaglia syndrome. Identifiers: Orphanet 662234, MedGen C5543339, MONDO:0859143, OMIM 619312.

Submission:

Dasa
Classification: Uncertain significance for Radio-Tartaglia syndrome. Last evaluated: 2026-01-03. Review status: criteria provided, single submitter. Criteria: DASA Assertion Criteria. Collection method: clinical testing. Allele origin: germline.
Comment: NM_015001.3(SPEN):c.2726A>C (p.Lys909Thr) is a missense variant that results in the substitution of lysine with threonine. This variant is rare in population databases. The currently available literature and clinical evidence are not sufficient to establish a definitive association between this variant and the reported condition. Therefore, this variant is classified as a variant of uncertain significance.

NM_015001.3(SPEN):c.2726A>C (p.Lys909Thr)

Gene: SPEN (spen family transcriptional repressor; plus strand). Cytogenetic location: 1p36.13.
Variant type: single nucleotide variant.
Coding change: c.2726A>C on transcript NM_015001.3 (MANE Select); coding-DNA position 2726, A replaced by C.
Protein change: p.Lys909Thr; replaces lysine 909 with threonine.
Molecular consequence: missense variant.
Genome position (GRCh38, 1-based): chr1:15,928,966, A>C. VCF-style: chr1-15928966-A-C. GRCh37 (hg19) VCF-style: chr1-16255461-A-C.
Other names: short protein forms K909T.
Identifiers: ClinVar variation 4881577 (VCV004881577.2).